The following is an entry in ClinVar:

NM_001029883.3(PCARE):c.1233C>G (p.Asp411Glu)

Gene: PCARE (photoreceptor cilium actin regulator; minus strand). Cytogenetic location: 2p23.2.
Variant type: single nucleotide variant.
Coding change: c.1233C>G on transcript NM_001029883.3 (MANE Select); coding-DNA position 1233, C replaced by G.
Protein change: p.Asp411Glu; replaces aspartic acid 411 with glutamic acid.
Molecular consequence: missense variant.
Genome position (GRCh38, 1-based): chr2:29,073,029, G>C on the plus strand (C>G on the coding strand, the complement: PCARE is on the minus strand). VCF-style: chr2-29073029-G-C. GRCh37 (hg19) VCF-style: chr2-29295895-G-C.
Other names: short protein forms D411E.
Identifiers: ClinVar variation 859800 (VCV000859800.10), dbSNP rs906515882, ClinGen allele CA346480617.

ClinVar aggregate classification (germline): Uncertain significance (1 of 4 stars; one submission).

Submission:

Labcorp Genetics (formerly Invitae), Labcorp
Classification: Uncertain significance. Last evaluated: 2019-12-27. Review status: criteria provided, single submitter. Criteria: Invitae Variant Classification Sherloc (09022015). Collection method: clinical testing. Allele origin: germline.
Comment: In summary, the available evidence is currently insufficient to determine the role of this variant in disease. Therefore, it has been classified as a Variant of Uncertain Significance. This sequence change replaces aspartic acid with glutamic acid at codon 411 of the PCARE protein (p.Asp411Glu). The aspartic acid residue is highly conserved and there is a small physicochemical difference between aspartic acid and glutamic acid. This variant is not present in population databases (ExAC no frequency). This variant has not been reported in the literature in individuals with PCARE-related conditions. Algorithms developed to predict the effect of missense changes on protein structure and function output the following: SIFT: "Deleterious"; PolyPhen-2: "Probably Damaging"; Align-GVGD: "Class C0". The glutamic acid amino acid residue is found in multiple mammalian species, suggesting that this missense change does not adversely affect protein function. These predictions have not been confirmed by published functional studies and their clinical significance is uncertain.